The following is an entry in ClinVar:

ClinVar aggregate classification (germline): Uncertain significance (0 of 4 stars; one submission).

Conditions:
ISL1-related disorder. Also called: ISL1-related condition.

Submission:

PreventionGenetics, part of Exact Sciences
Classification: Uncertain significance for ISL1-related condition. Last evaluated: 2024-09-05. Review status: no assertion criteria provided. Collection method: clinical testing. Allele origin: germline.
Comment: The ISL1 c.182G>A variant is predicted to result in the amino acid substitution p.Arg61Lys. To our knowledge, this variant has not been reported in the literature or in a large population database, indicating this variant is rare. At this time, the clinical significance of this variant is uncertain due to the absence of conclusive functional and genetic evidence.

NM_002202.3(ISL1):c.182G>A (p.Arg61Lys)

Gene: ISL1 (ISL LIM homeobox 1; plus strand). Cytogenetic location: 5q11.1.
Variant type: single nucleotide variant.
Coding change: c.182G>A on transcript NM_002202.3 (MANE Select); coding-DNA position 182, G replaced by A.
Protein change: p.Arg61Lys; replaces arginine 61 with lysine.
Molecular consequence: missense variant.
Genome position (GRCh38, 1-based): chr5:51,384,694, G>A. VCF-style: chr5-51384694-G-A. GRCh37 (hg19) VCF-style: chr5-50680528-G-A.
Other names: short protein forms R61K.
Identifiers: ClinVar variation 3353704 (VCV003353704.1).